The following is an entry in ClinVar:

ClinVar aggregate classification (germline): Uncertain significance (1 of 4 stars; one submission).

Allele frequency attached by ClinVar (database versions not stated): gnomAD exomes below 0.00001.

Submission:

Centre for Mendelian Genomics, University Medical Centre Ljubljana
Classification: Uncertain significance. Last evaluated: 2020-01-17. Review status: criteria provided, single submitter. Criteria: ACMG Guidelines, 2015. Collection method: clinical testing. Allele origin: unknown. Affected: yes.
Comment: This variant was classified as: Uncertain significance. The available evidence on this variant's pathogenicity is insufficient or conflicting. The following ACMG criteria were applied in classifying this variant: PM2.

NM_001371194.2(SEMA4D):c.652C>T (p.Arg218Ter)

Gene: SEMA4D (semaphorin 4D; minus strand). Cytogenetic location: 9q22.2.
Variant type: single nucleotide variant.
Coding change: c.652C>T on transcript NM_001371194.2 (MANE Select); coding-DNA position 652, C replaced by T.
Protein change: p.Arg218Ter; replaces arginine 218 with a stop codon.
Molecular consequence: nonsense. On other transcripts: non-coding transcript variant (6).
Genome position (GRCh38, 1-based): chr9:89,391,386, G>A on the plus strand (C>T on the coding strand, the complement: SEMA4D is on the minus strand). VCF-style: chr9-89391386-G-A. GRCh37 (hg19) VCF-style: chr9-92006301-G-A.
Other names: c.652C>T, p.Arg218Ter (NM_001142287.2, NM_001371195.1, NM_001371196.1 and 7 more transcripts); short protein forms R218*.
Identifiers: ClinVar variation 930639 (VCV000930639.3), dbSNP rs776161783, ClinGen allele CA373791047.